The following is an entry in ClinVar:

ClinVar aggregate classification (germline): other (0 of 4 stars; one submission).

Conditions:
Familial colorectal cancer. Identifiers: MedGen CN280943, MONDO:0023113. Disease mechanism: loss of function.

Allele frequency attached by ClinVar (database versions not stated): TOPMed 0.00001.
gnomAD v4.1: 1 of 150,998 alleles (0.00066%); highest among the groups gnomAD compares: Non-Finnish European, 0.0015%; no homozygotes.

Submission:

Systems Biology Platform Zhejiang California International NanoSystems Institute
Classification: other for Familial colorectal cancer. Review status: no assertion criteria provided. Collection method: not provided. Allele origin: unknown.
ClinVar note: Converted during submission from cancer to other.

NM_001127511.3(APC):c.165+26855C>A

Gene: APC (APC regulator of Wnt signaling pathway; plus strand). Cytogenetic location: 5q22.2.
Variant type: single nucleotide variant.
Coding change: c.165+26855C>A on transcript NM_001127511.3; 26855 bases into the intron after coding-DNA position 165, C replaced by A.
Molecular consequence: intron variant.
Genome position (GRCh38, 1-based): chr5:112,734,737, C>A. VCF-style: chr5-112734737-C-A. GRCh37 (hg19) VCF-style: chr5-112070434-C-A.
Other names: c.-1053-20136C>A (NM_001407470.1, NM_001407472.1); c.-18-20136C>A (NM_001407447.1, NM_001354895.2, NM_001407456.1 and 7 more transcripts); c.165+26855C>A (NM_001407446.1, NM_001354897.2, NM_001354902.2); c.-43+27088C>A (NM_001407453.1).
Identifiers: ClinVar variation 82316 (VCV000082316.4), dbSNP rs78036520, ClinGen allele CA023593.